The following is an entry in ClinVar:

NM_014363.6(SACS):c.7595T>C (p.Ile2532Thr)

Gene: SACS (sacsin molecular chaperone; minus strand). Cytogenetic location: 13q12.12.
Variant type: single nucleotide variant.
Coding change: c.7595T>C on transcript NM_014363.6 (MANE Select); coding-DNA position 7595, T replaced by C.
Protein change: p.Ile2532Thr; replaces isoleucine 2532 with threonine.
Molecular consequence: missense variant.
Genome position (GRCh38, 1-based): chr13:23,336,281, A>G on the plus strand (T>C on the coding strand, the complement: SACS is on the minus strand). VCF-style: chr13-23336281-A-G. GRCh37 (hg19) VCF-style: chr13-23910420-A-G.
Other names: c.7154T>C, p.Ile2385Thr (NM_001278055.2); short protein forms I2385T, I2532T.
Identifiers: ClinVar variation 964871 (VCV000964871.6), dbSNP rs1292962703, ClinGen allele CA387518683.

ClinVar aggregate classification (germline): Uncertain significance (1 of 4 stars; one submission).

Conditions:
Spastic paraplegia. Identifiers: MedGen C0037772, HP:0001258.

Allele frequency attached by ClinVar (database versions not stated): gnomAD 0.00001; TOPMed 0.00001.
gnomAD v4.1: 1 of 1,613,966 alleles (0.000062%); highest among the groups gnomAD compares: African/African-American, 0.0013%; no homozygotes.

Submission:

Labcorp Genetics (formerly Invitae), Labcorp
Classification: Uncertain significance for Spastic paraplegia. Last evaluated: 2021-09-01. Review status: criteria provided, single submitter. Criteria: Invitae Variant Classification Sherloc (09022015). Collection method: clinical testing. Allele origin: germline.
Comment: This sequence change replaces isoleucine with threonine at codon 2532 of the SACS protein (p.Ile2532Thr). The isoleucine residue is moderately conserved and there is a moderate physicochemical difference between isoleucine and threonine. This variant is not present in population databases (ExAC no frequency). This variant has not been reported in the literature in individuals affected with SACS-related conditions. Algorithms developed to predict the effect of missense changes on protein structure and function are either unavailable or do not agree on the potential impact of this missense change (SIFT: "Deleterious"; PolyPhen-2: "Probably Damaging"; Align-GVGD: "Class C0"). In summary, the available evidence is currently insufficient to determine the role of this variant in disease. Therefore, it has been classified as a Variant of Uncertain Significance.